The following is an entry in ClinVar:

ClinVar aggregate classification (germline): Uncertain significance (1 of 4 stars; one submission).

Conditions:
Dilated cardiomyopathy 1AA (CMD1AA). Also called: CARDIOMYOPATHY, DILATED, 1AA, WITH OR WITHOUT LEFT VENTRICULAR NONCOMPACTION; CARDIOMYOPATHY, FAMILIAL HYPERTROPHIC, 23, WITH OR WITHOUT LEFT VENTRICULAR NONCOMPACTION; Cardiomyopathy, dilated, 1AA, with or without LVNC. Identifiers: Orphanet 154, MedGen C2677338, MONDO:0012808, OMIM 612158.
Primary familial hypertrophic cardiomyopathy (HCM). Identifiers: Orphanet 99739, MedGen C0949658, MeSH D024741, MONDO:0024573. Inheritance: Various modes of inheritance.

Submission:

Labcorp Genetics (formerly Invitae), Labcorp
Classification: Uncertain significance for Primary familial hypertrophic cardiomyopathy; Dilated cardiomyopathy 1AA. Last evaluated: 2023-01-01. Review status: criteria provided, single submitter. Criteria: Invitae Variant Classification Sherloc (09022015). Collection method: clinical testing. Allele origin: germline.
Comment: In summary, the available evidence is currently insufficient to determine the role of this variant in disease. Therefore, it has been classified as a Variant of Uncertain Significance. Algorithms developed to predict the effect of sequence changes on RNA splicing suggest that this variant may disrupt the consensus splice site. This variant has not been reported in the literature in individuals affected with ACTN2-related conditions. This variant is not present in population databases (gnomAD no frequency). This sequence change affects a donor splice site in intron 9 of the ACTN2 gene. It is expected to disrupt RNA splicing. Variants that disrupt the donor or acceptor splice site typically lead to a loss of protein function (PMID: 16199547), however the current clinical and genetic evidence is not sufficient to establish whether loss-of-function variants in ACTN2 cause disease.

Literature cited by the submitters: PubMed 16199547.

NM_001103.4(ACTN2):c.876+1G>A

Gene: ACTN2 (actinin alpha 2; plus strand). Cytogenetic location: 1q43.
Variant type: single nucleotide variant.
Coding change: c.876+1G>A on transcript NM_001103.4 (MANE Select); the canonical splice donor site of the intron after coding-DNA position 876, G replaced by A.
Molecular consequence: splice donor variant.
Genome position (GRCh38, 1-based): chr1:236,737,215, G>A. VCF-style: chr1-236737215-G-A. GRCh37 (hg19) VCF-style: chr1-236900515-G-A.
Other names: c.876+1G>A (NM_001278343.2).
Identifiers: ClinVar variation 2942869 (VCV002942869.3), dbSNP rs2527592198, ClinGen allele CA345379176.